The following is an entry in ClinVar:

NM_002016.2(FLG):c.762_766del (p.Lys255fs)

Genes: CCDST (cervical cancer associated DHX9 suppressive transcript; plus strand), FLG (filaggrin; minus strand). Cytogenetic location: 1q21.3.
Variant type: Deletion.
Coding change: c.762_766del on transcript NM_002016.2 (MANE Select); coding-DNA positions 762 to 766, 5 bases deleted (CAAAA; older notation c.762_766delCAAAA).
Protein change: p.Lys255fs; shifts the reading frame from lysine 255.
Molecular consequence: frameshift variant.
Genome position (GRCh38, 1-based): chr1:152,314,120-152,314,124, TTTTG deleted on the plus strand (CAAAA on the coding strand, the reverse complement: FLG is on the minus strand); deleting any 5 consecutive bases within chr1:152,314,120-152,314,128 gives the same sequence; the c. name uses the placement nearest the transcript's 3' end. VCF-style (leftmost placement, unchanged base first): chr1-152314119-ATTTTG-A. GRCh37 (hg19) VCF-style: chr1-152286595-ATTTTG-A.
Other names: short protein forms K255fs.
Identifiers: ClinVar variation 3362823 (VCV003362823.3).

ClinVar aggregate classification (germline): Likely pathogenic (1 of 4 stars; one submission).

Conditions:
Ichthyosis vulgaris. Also called: ICHTHYOSIS SIMPLEX; Dominant ichthyosis vulgaris. Identifiers: MedGen C0079584, MONDO:0024304, OMIM 146700.

Submission:

Neuberg Centre For Genomic Medicine, NCGM
Classification: Likely pathogenic for Ichthyosis vulgaris. Review status: criteria provided, single submitter. Criteria: ACMG Guidelines, 2015. Collection method: clinical testing. Allele origin: germline. Inheritance: Autosomal dominant inheritance. Affected: yes.
Comment: The observed frameshift variant c.762_766del(p.Lys255IlefsTer2) in FLG gene has not been reported previously as a pathogenic variant nor as a benign variant, to our knowledge. The c.762_766del(p.Lys255IlefsTer2) variant is reported with 0.001% allele frequency in gnomAD Exomes. This variant causes a frameshift starting with codon Lysine 255, changes this amino acid to Isoleucine residue, and creates a premature Stop codon at position 2 of the new reading frame, denoted p.Lys255IlefsTer2. This variant is predicted to cause loss of normal protein function through protein truncation. Loss of function variants have been previously reported to be disease causing ((Smith et al., 2006). For these reasons, this variant has been classified as Likely Pathogenic.